The following is an entry in ClinVar:

ClinVar aggregate classification (germline): Pathogenic (1 of 4 stars; one submission).

Submission:

Labcorp Genetics (formerly Invitae), Labcorp
Classification: Pathogenic. Last evaluated: 2022-05-12. Review status: criteria provided, single submitter. Criteria: Invitae Variant Classification Sherloc (09022015). Collection method: clinical testing. Allele origin: germline.
Comment: This variant has not been reported in the literature in individuals affected with POLE-related conditions. For these reasons, this variant has been classified as Pathogenic. This variant is present in population databases (no rsID available, gnomAD 0.003%). This sequence change creates a premature translational stop signal (p.Phe1553Serfs*9) in the POLE gene. It is expected to result in an absent or disrupted protein product. Loss-of-function variants in POLE are known to be pathogenic (PMID: 23230001, 25948378, 30503519).

Literature cited by the submitters: PubMed 23230001; PubMed 25948378; PubMed 30503519.

NM_006231.4(POLE):c.4658del (p.Phe1553fs)

Gene: POLE (DNA polymerase epsilon, catalytic subunit; minus strand). Cytogenetic location: 12q24.33.
Variant type: Deletion.
Coding change: c.4658del on transcript NM_006231.4 (MANE Select); coding-DNA position 4658, one base deleted (T; older notation c.4658delT).
Protein change: p.Phe1553fs; shifts the reading frame from phenylalanine 1553.
Molecular consequence: frameshift variant.
Genome position (GRCh38, 1-based): chr12:132,642,890, A deleted on the plus strand (T on the coding strand, the reverse complement: POLE is on the minus strand); the first of 2 consecutive A bases (chr12:132,642,890-132,642,891); deleting either gives the same sequence. VCF-style (leftmost placement, unchanged base first): chr12-132642889-GA-G. GRCh37 (hg19) VCF-style: chr12-133219475-GA-G.
Other names: short protein forms F1553fs.
Identifiers: ClinVar variation 1482760 (VCV001482760.8), dbSNP rs1565938304, ClinGen allele CA608513894.
Genomic context (GRCh38, chr12:132,642,889, plus strand): 5'-GAGCAGGAATCGCTGGATGGCTCTGCAGATGGTCTTCAGGTCAGTTTCTGCCCGAACTTC[GA>G]AGGTGTGTTTGGGGGGTGGCAGGAGCTCAGGGCCCACCTTCTCCAGGAGGAGGCCGTGCT-3'